The following is an entry in ClinVar:

ClinVar aggregate classification (germline): Pathogenic (1 of 4 stars; one submission).

Submission:

GeneDx
Classification: Pathogenic. Last evaluated: 2019-05-14. Review status: criteria provided, single submitter. Criteria: GeneDx Variant Classification Process June 2021. Collection method: clinical testing. Allele origin: germline. Affected: yes.
Comment: Nonsense variant predicted to result in protein truncation or nonsense mediated decay in a gene for which loss-of-function is a known mechanism of disease; Not observed in large population cohorts (Lek et al., 2016); Has not been previously published as pathogenic or benign to our knowledge

NM_001349338.3(FOXP1):c.574C>T (p.Gln192Ter)

Gene: FOXP1 (forkhead box P1; minus strand). Cytogenetic location: 3p13.
Variant type: single nucleotide variant.
Coding change: c.574C>T on transcript NM_001349338.3 (MANE Select); coding-DNA position 574, C replaced by T.
Protein change: p.Gln192Ter; replaces glutamine 192 with a stop codon.
Molecular consequence: nonsense. On other transcripts: non-coding transcript variant (2).
Genome position (GRCh38, 1-based): chr3:71,047,032, G>A on the plus strand (C>T on the coding strand, the complement: FOXP1 is on the minus strand). VCF-style: chr3-71047032-G-A. GRCh37 (hg19) VCF-style: chr3-71096183-G-A.
Other names: c.574C>T, p.Gln192Ter (NM_001244808.3, NM_001244810.2, NM_001244814.3 and 3 more transcripts); c.346C>T, p.Gln116Ter (NM_001244812.3); c.274C>T, p.Gln92Ter (NM_001244813.3, NM_001244815.2, NM_001349342.3 and 1 more transcripts); c.271C>T, p.Gln91Ter (NM_001349337.2, NM_001349343.3, NM_001349344.3); c.571C>T, p.Gln191Ter (NM_001349341.3); short protein forms Q192*, Q191*, Q116*, Q92*, Q91*.
Identifiers: ClinVar variation 392993 (VCV000392993.4), dbSNP rs1057524732, ClinGen allele CA16604516.